The following is an entry in ClinVar:

ClinVar aggregate classification (germline): Uncertain significance (1 of 4 stars; one submission).

Allele frequency attached by ClinVar (database versions not stated): ExAC 0.00001; gnomAD exomes 0.00001; gnomAD 0.00003; 1000 Genomes Project 0.00026; 1000 Genomes Project 30x 0.00042.
gnomAD v4.1: 6 of 1,209,551 alleles (0.0005%); highest among the groups gnomAD compares: Admixed American, 0.013%; no homozygotes.

Submission:

Labcorp Genetics (formerly Invitae), Labcorp
Classification: Uncertain significance. Last evaluated: 2023-09-11. Review status: criteria provided, single submitter. Criteria: Invitae Variant Classification Sherloc (09022015). Collection method: clinical testing. Allele origin: germline.
Comment: In summary, the available evidence is currently insufficient to determine the role of this variant in disease. Therefore, it has been classified as a Variant of Uncertain Significance. An algorithm developed to predict the effect of missense changes on protein structure and function (PolyPhen-2) suggests that this variant is likely to be tolerated. This variant has not been reported in the literature in individuals affected with IL1RAPL1-related conditions. This variant is present in population databases (rs748840231, gnomAD 0.004%), including at least one homozygous and/or hemizygous individual. This sequence change replaces glycine, which is neutral and non-polar, with serine, which is neutral and polar, at codon 644 of the IL1RAPL1 protein (p.Gly644Ser).

NM_014271.4(IL1RAPL1):c.1930G>A (p.Gly644Ser)

Gene: IL1RAPL1 (interleukin 1 receptor accessory protein like 1; plus strand). Cytogenetic location: Xp21.2.
Variant type: single nucleotide variant.
Coding change: c.1930G>A on transcript NM_014271.4 (MANE Select); coding-DNA position 1930, G replaced by A.
Protein change: p.Gly644Ser; replaces glycine 644 with serine.
Molecular consequence: missense variant.
Genome position (GRCh38, 1-based): chrX:29,955,659, G>A. VCF-style: chrX-29955659-G-A. GRCh37 (hg19) VCF-style: chrX-29973776-G-A.
Other names: short protein forms G644S.
Identifiers: ClinVar variation 2894639 (VCV002894639.3), dbSNP rs748840231, ClinGen allele CA10375626.
Genomic context (GRCh38, chrX:29,955,659, plus strand): 5'-TACTACCGAAGCTATGAGTACGACGTACCTCCTACCGGCACCCTGCCTCTTACCTCCATA[G>A]GCAATCAGCATACCTACTGTAACATCCCTATGACACTCATCAACGGGCAGCGGCCACAGA-3'
Protein context (NP_055086.1, residues 634-654): PTGTLPLTSI[Gly644Ser]NQHTYCNIPM